The following is an entry in ClinVar:

NM_032242.4(PLXNA1):c.2864G>T (p.Arg955Leu)

Gene: PLXNA1 (plexin A1; plus strand). Cytogenetic location: 3q21.3.
Variant type: single nucleotide variant.
Coding change: c.2864G>T on transcript NM_032242.4 (MANE Select); coding-DNA position 2864, G replaced by T.
Protein change: p.Arg955Leu; replaces arginine 955 with leucine.
Molecular consequence: missense variant.
Genome position (GRCh38, 1-based): chr3:127,014,818, G>T. VCF-style: chr3-127014818-G-T. GRCh37 (hg19) VCF-style: chr3-126733661-G-T.
Other names: short protein forms R955L.
Identifiers: ClinVar variation 4992858 (VCV004992858.1).

ClinVar aggregate classification (germline): Uncertain significance (1 of 4 stars; one submission).

Conditions:
PLXNA1-related disorder. Also called: PLXNA1-related condition.

Submission:

PreventionGenetics, part of Exact Sciences
Classification: Uncertain significance for PLXNA1-related condition. Last evaluated: 2026-08-26. Review status: criteria provided, single submitter. Criteria: ACMG Guidelines, 2015. Collection method: clinical testing. Allele origin: germline.
Comment: The PLXNA1 c.2864G>T variant is predicted to result in the amino acid substitution p.Arg955Leu. To our knowledge, this variant has not been reported in the literature or in a large population database (gnomAD), indicating this variant is rare. At this time, the clinical significance of this variant is uncertain due to the absence of conclusive functional and genetic evidence.